The following is an entry in ClinVar:

NM_001029883.3(PCARE):c.1714_1721del (p.Thr572fs)

Gene: PCARE (photoreceptor cilium actin regulator; minus strand). Cytogenetic location: 2p23.2.
Variant type: Deletion.
Coding change: c.1714_1721del on transcript NM_001029883.3 (MANE Select); coding-DNA positions 1714 to 1721, 8 bases deleted (ACAGTGGT; older notation c.1714_1721delACAGTGGT).
Protein change: p.Thr572fs; shifts the reading frame from threonine 572.
Molecular consequence: frameshift variant.
Genome position (GRCh38, 1-based): chr2:29,072,541-29,072,548, ACCACTGT deleted on the plus strand (ACAGTGGT on the coding strand, the reverse complement: PCARE is on the minus strand). VCF-style (leftmost placement, unchanged base first): chr2-29072540-GACCACTGT-G. GRCh37 (hg19) VCF-style: chr2-29295406-GACCACTGT-G.
Other names: short protein forms T572fs.
Identifiers: ClinVar variation 2059193 (VCV002059193.4), dbSNP rs1667510314, ClinGen allele CA1241018748.

ClinVar aggregate classification (germline): Pathogenic (1 of 4 stars; one submission).

Allele frequency attached by ClinVar (database versions not stated): TOPMed below 0.00001.

Submission:

Labcorp Genetics (formerly Invitae), Labcorp
Classification: Pathogenic. Last evaluated: 2022-08-23. Review status: criteria provided, single submitter. Criteria: Invitae Variant Classification Sherloc (09022015). Collection method: clinical testing. Allele origin: germline.
Comment: This sequence change creates a premature translational stop signal (p.Thr572Profs*5) in the PCARE gene. It is expected to result in an absent or disrupted protein product. Loss-of-function variants in PCARE are known to be pathogenic (PMID: 20398886, 24339724, 26496393). This variant is not present in population databases (gnomAD no frequency). This variant has not been reported in the literature in individuals affected with PCARE-related conditions. For these reasons, this variant has been classified as Pathogenic.

Literature cited by the submitters: PubMed 20398886; PubMed 24339724; PubMed 26496393.